The following is an entry in ClinVar:

NM_001291303.3(FAT4):c.9548C>T (p.Thr3183Ile)

Gene: FAT4 (FAT atypical cadherin 4; plus strand). Cytogenetic location: 4q28.1.
Variant type: single nucleotide variant.
Coding change: c.9548C>T on transcript NM_001291303.3 (MANE Select); coding-DNA position 9548, C replaced by T.
Protein change: p.Thr3183Ile; replaces threonine 3183 with isoleucine.
Molecular consequence: missense variant.
Genome position (GRCh38, 1-based): chr4:125,450,558, C>T. VCF-style: chr4-125450558-C-T. GRCh37 (hg19) VCF-style: chr4-126371713-C-T.
Other names: c.9548C>T, p.Thr3183Ile (NM_001291285.3); c.9542C>T, p.Thr3181Ile (NM_024582.6); c.9542C>T (NM_024582.4); short protein forms T3181I, T3183I.
Identifiers: ClinVar variation 1515395 (VCV001515395.7), dbSNP rs571235536, ClinGen allele CA104881854.

ClinVar aggregate classification (germline): Uncertain significance. Review status: criteria provided, multiple submitters, no conflicts (2 of 4 stars). 2 submissions from 2 submitters: Uncertain significance (2). Last evaluated 2026-07-03.

Conditions:
Inborn genetic diseases. Identifiers: MedGen C0950123, MeSH D030342.

Allele frequency attached by ClinVar (database versions not stated): gnomAD exomes 0.00001; gnomAD 0.00001; TOPMed 0.00002.
gnomAD v4.1: 11 of 1,613,936 alleles (0.00068%); highest among the groups gnomAD compares: African/African-American, 0.004%; no homozygotes.

Submissions (2):

Ambry Genetics
Classification: Uncertain significance for Inborn genetic diseases. Last evaluated: 2026-07-03. Review status: criteria provided, single submitter. Criteria: Ambry Variant Classification Scheme 2023. Collection method: clinical testing. Allele origin: germline.

Labcorp Genetics (formerly Invitae), Labcorp
Classification: Uncertain significance. Last evaluated: 2025-07-27. Review status: criteria provided, single submitter. Criteria: Invitae Variant Classification Sherloc (09022015). Collection method: clinical testing. Allele origin: germline.
Comment: This sequence change replaces threonine, which is neutral and polar, with isoleucine, which is neutral and non-polar, at codon 3181 of the FAT4 protein (p.Thr3181Ile). This variant is not present in population databases (gnomAD no frequency). This variant has not been reported in the literature in individuals affected with FAT4-related conditions. ClinVar contains an entry for this variant (Variation ID: 1515395). Invitae Evidence Modeling of protein sequence and biophysical properties (such as structural, functional, and spatial information, amino acid conservation, physicochemical variation, residue mobility, and thermodynamic stability) indicates that this missense variant is not expected to disrupt FAT4 protein function with a negative predictive value of 80%. In summary, the available evidence is currently insufficient to determine the role of this variant in disease. Therefore, it has been classified as a Variant of Uncertain Significance.